The following is an entry in ClinVar:

ClinVar aggregate classification (germline): Conflicting classifications of pathogenicity. Review status: criteria provided, conflicting classifications (1 of 4 stars). 7 submissions from 7 submitters: Uncertain significance (1); Benign (1); Likely benign (5). Last evaluated 2026-05-19.

Conditions:
NF1-related disorder. Also called: NF1-related condition. Identifiers: MedGen CN379171.
Cardiovascular phenotype. Identifiers: MedGen CN230736.
Hereditary cancer-predisposing syndrome. Also called: Tumor predisposition; Hereditary neoplastic syndrome; Neoplastic Syndromes, Hereditary; Hereditary Cancer Syndrome. Identifiers: Orphanet 140162, MedGen C0027672, MeSH D009386, MONDO:0015356.
Neurofibromatosis, type 1 (NF1). Also called: Peripheral type neurofibromatosis; VON RECKLINGHAUSEN DISEASE; NEUROFIBROMATOSIS, TYPE I, SOMATIC; Neurofibromatosis, type I. Identifiers: Orphanet 636, MedGen C0027831, MONDO:0018975, OMIM 162200. Disease mechanism: loss of function.

Allele frequency attached by ClinVar (database versions not stated): gnomAD 0.00001; TOPMed 0.00001; ESP Exome Variant Server 0.00008.
gnomAD v4.1: 41 of 1,613,780 alleles (0.0025%); highest among the groups gnomAD compares: Non-Finnish European, 0.0033%; no homozygotes.

Submissions (7):

Myriad Genetics, Inc.
Classification: Benign for Neurofibromatosis, type 1. Last evaluated: 2026-05-19. Review status: criteria provided, single submitter. Criteria: Myriad Autosomal Dominant, Autosomal Recessive and X-Linked Classification Criteria (2023). Collection method: clinical testing. Allele origin: unknown.
Comment: This variant is considered benign. This variant is a silent/synonymous amino acid change and it is not expected to impact splicing.

Labcorp Genetics (formerly Invitae), Labcorp
Classification: Likely benign for Neurofibromatosis, type 1. Last evaluated: 2025-12-16. Review status: criteria provided, single submitter. Criteria: Invitae Variant Classification Sherloc (09022015). Collection method: clinical testing. Allele origin: germline.

PreventionGenetics, part of Exact Sciences
Classification: Likely benign for NF1-related condition. Last evaluated: 2024-12-17. Review status: criteria provided, single submitter. Criteria: ACMG Guidelines, 2015. Collection method: clinical testing. Allele origin: germline.
Comment: This variant is classified as likely benign based on ACMG/AMP sequence variant interpretation guidelines (Richards et al. 2015 PMID: 25741868, with internal and published modifications).

Genome-Nilou Lab
Classification: Likely benign for Neurofibromatosis, type 1. Last evaluated: 2022-03-15. Review status: criteria provided, single submitter. Criteria: ACMG Guidelines, 2015. Collection method: clinical testing. Allele origin: germline. Affected: no.

Quest Diagnostics Nichols Institute San Juan Capistrano
Classification: Uncertain significance. Last evaluated: 2021-07-09. Review status: criteria provided, single submitter. Criteria: Quest Diagnostics criteria. Collection method: clinical testing. Allele origin: unknown.

GeneDx
Classification: Likely benign. Last evaluated: 2018-04-12. Review status: criteria provided, single submitter. Criteria: GeneDx Variant Classification (06012015). Collection method: clinical testing. Allele origin: germline. Affected: yes.
Comment: This variant is considered likely benign or benign based on one or more of the following criteria: it is a conservative change, it occurs at a poorly conserved position in the protein, it is predicted to be benign by multiple in silico algorithms, and/or has population frequency not consistent with disease.

Ambry Genetics
Classification: Likely benign for Cardiovascular phenotype; Hereditary cancer-predisposing syndrome. Last evaluated: 2015-10-01. Review status: criteria provided, single submitter. Criteria: Ambry General Variant Classification Scheme_2022. Collection method: clinical testing. Allele origin: germline. Observed: 1 variant allele.

Literature cited by the submitters: PubMed 34012022 (cited by Quest Diagnostics Nichols Institute San Juan Capistrano).

NM_001042492.3(NF1):c.3916C>A (p.Arg1306=)

Gene: NF1 (neurofibromin 1; plus strand). Cytogenetic location: 17q11.2.
Variant type: single nucleotide variant.
Coding change: c.3916C>A on transcript NM_001042492.3 (MANE Select); coding-DNA position 3916, C replaced by A.
Protein change: p.Arg1306=; no amino-acid change (arginine 1306 retained).
Molecular consequence: synonymous variant.
Genome position (GRCh38, 1-based): chr17:31,235,963, C>A. VCF-style: chr17-31235963-C-A. GRCh37 (hg19) VCF-style: chr17-29562981-C-A.
Other names: c.3916C>A, p.Arg1306= (NM_000267.4).
Identifiers: ClinVar variation 457674 (VCV000457674.17), dbSNP rs376576925, ClinGen allele CA289340320.